The following is an entry in ClinVar:

ClinVar aggregate classification (germline): Uncertain significance. Review status: criteria provided, multiple submitters, no conflicts (2 of 4 stars). 2 submissions from 2 submitters: Uncertain significance (2). Last evaluated 2025-05-07.

Conditions:
Inborn genetic diseases. Identifiers: MedGen C0950123, MeSH D030342.

Allele frequency attached by ClinVar (database versions not stated): gnomAD 0.00003; ExAC 0.00002; gnomAD exomes 0.00003; TOPMed 0.00003.
gnomAD v4.1: 53 of 1,610,368 alleles (0.0033%); highest among the groups gnomAD compares: Non-Finnish European, 0.0042%; no homozygotes.

Submissions (2):

Labcorp Genetics (formerly Invitae), Labcorp
Classification: Uncertain significance. Last evaluated: 2025-05-07. Review status: criteria provided, single submitter. Criteria: Invitae Variant Classification Sherloc (09022015). Collection method: clinical testing. Allele origin: germline.
Comment: This sequence change replaces arginine, which is basic and polar, with glutamine, which is neutral and polar, at codon 1614 of the CAMTA1 protein (p.Arg1614Gln). This variant is present in population databases (rs749605309, gnomAD 0.006%). This variant has not been reported in the literature in individuals affected with CAMTA1-related conditions. ClinVar contains an entry for this variant (Variation ID: 2993765). Invitae Evidence Modeling of protein sequence and biophysical properties (such as structural, functional, and spatial information, amino acid conservation, physicochemical variation, residue mobility, and thermodynamic stability) indicates that this missense variant is not expected to disrupt CAMTA1 protein function with a negative predictive value of 80%. In summary, the available evidence is currently insufficient to determine the role of this variant in disease. Therefore, it has been classified as a Variant of Uncertain Significance.

Ambry Genetics
Classification: Uncertain significance for Inborn genetic diseases. Last evaluated: 2025-04-01. Review status: criteria provided, single submitter. Criteria: Ambry Variant Classification Scheme 2023. Collection method: clinical testing. Allele origin: germline.

NM_015215.4(CAMTA1):c.4841G>A (p.Arg1614Gln)

Gene: CAMTA1 (calmodulin binding transcription activator 1; plus strand). Cytogenetic location: 1p36.23.
Variant type: single nucleotide variant.
Coding change: c.4841G>A on transcript NM_015215.4 (MANE Select); coding-DNA position 4841, G replaced by A.
Protein change: p.Arg1614Gln; replaces arginine 1614 with glutamine.
Molecular consequence: missense variant.
Genome position (GRCh38, 1-based): chr1:7,751,350, G>A. VCF-style: chr1-7751350-G-A. GRCh37 (hg19) VCF-style: chr1-7811410-G-A.
Other names: c.4841G>A (NM_015215.2); c.4751G>A, p.Arg1584Gln (NM_001349608.2); c.4523G>A, p.Arg1508Gln (NM_001349609.2, NM_001349610.2); c.4433G>A, p.Arg1478Gln (NM_001349612.2); c.1970G>A, p.Arg657Gln (NM_001349613.1); c.1934G>A, p.Arg645Gln (NM_001349614.1, NM_001349615.2, NM_001349616.2); c.1913G>A, p.Arg638Gln (NM_001349617.1, NM_001349618.2); c.1595G>A, p.Arg532Gln (NM_001349619.2, NM_001349620.1, NM_001349621.1 and 1 more transcripts); and 3 more; short protein forms R1477Q, R1584Q, R638Q, R1478Q, R1508Q, R1614Q, R532Q, R645Q.
Identifiers: ClinVar variation 2993765 (VCV002993765.4), dbSNP rs749605309, ClinGen allele CA567259.